The following is an entry in ClinVar:

ClinVar aggregate classification (germline): Uncertain significance (1 of 4 stars; one submission).

Submission:

Labcorp Genetics (formerly Invitae), Labcorp
Classification: Uncertain significance. Last evaluated: 2023-09-14. Review status: criteria provided, single submitter. Criteria: Invitae Variant Classification Sherloc (09022015). Collection method: clinical testing. Allele origin: germline.
Comment: This sequence change replaces proline, which is neutral and non-polar, with serine, which is neutral and polar, at codon 1298 of the DSCAML1 protein (p.Pro1298Ser). This variant is not present in population databases (gnomAD no frequency). This variant has not been reported in the literature in individuals affected with DSCAML1-related conditions. An algorithm developed to predict the effect of missense changes on protein structure and function (PolyPhen-2) suggests that this variant is likely to be tolerated. In summary, the available evidence is currently insufficient to determine the role of this variant in disease. Therefore, it has been classified as a Variant of Uncertain Significance.

NM_020693.4(DSCAML1):c.3712C>T (p.Pro1238Ser)

Gene: DSCAML1 (DS cell adhesion molecule like 1; minus strand). Cytogenetic location: 11q23.3.
Variant type: single nucleotide variant.
Coding change: c.3712C>T on transcript NM_020693.4 (MANE Select); coding-DNA position 3712, C replaced by T.
Protein change: p.Pro1238Ser; replaces proline 1238 with serine.
Molecular consequence: missense variant.
Genome position (GRCh38, 1-based): chr11:117,444,036, G>A on the plus strand (C>T on the coding strand, the complement: DSCAML1 is on the minus strand). VCF-style: chr11-117444036-G-A. GRCh37 (hg19) VCF-style: chr11-117314752-G-A.
Other names: short protein forms P1238S.
Identifiers: ClinVar variation 2754666 (VCV002754666.3), dbSNP rs2543028367, ClinGen allele CA382762115.